The following is an entry in ClinVar:

NM_004113.6(FGF12):c.164C>T (p.Ala55Val)

Gene: FGF12 (fibroblast growth factor 12; minus strand). Cytogenetic location: 3q28.
Variant type: single nucleotide variant.
Coding change: c.164C>T on transcript NM_004113.6 (MANE Select); coding-DNA position 164, C replaced by T.
Protein change: p.Ala55Val; replaces alanine 55 with valine.
Molecular consequence: missense variant.
Genome position (GRCh38, 1-based): chr3:192,335,425, G>A on the plus strand (C>T on the coding strand, the complement: FGF12 is on the minus strand). VCF-style: chr3-192335425-G-A. GRCh37 (hg19) VCF-style: chr3-192053214-G-A.
Other names: c.53C>T, p.Ala18Val (NM_001377292.1); c.92C>T, p.Ala31Val (NM_001377293.1, NM_001377294.1); c.350C>T, p.Ala117Val (NM_021032.5); short protein forms A117V, A18V, A31V, A55V.
Identifiers: ClinVar variation 1326557 (VCV001326557.40), dbSNP rs200858435, ClinGen allele CA2755800.

ClinVar aggregate classification (germline): Conflicting classifications of pathogenicity. Review status: criteria provided, conflicting classifications (1 of 4 stars). 4 submissions from 4 submitters: Uncertain significance (3); Benign (1). Last evaluated 2024-10-24.

Conditions:
Inborn genetic diseases. Identifiers: MedGen C0950123, MeSH D030342.

Allele frequency attached by ClinVar (database versions not stated): gnomAD 0.00001 and 0.00002; gnomAD exomes 0.00001; ExAC 0.00002; TOPMed 0.00002; ESP Exome Variant Server 0.00008; 1000 Genomes Project 30x 0.00016; 1000 Genomes Project 0.00020.
gnomAD v4.1: 17 of 1,613,122 alleles (0.0011%); highest among the groups gnomAD compares: Middle Eastern, 0.017%; no homozygotes.

Submissions (4):

Labcorp Genetics (formerly Invitae), Labcorp
Classification: Benign. Last evaluated: 2024-10-24. Review status: criteria provided, single submitter. Criteria: Invitae Variant Classification Sherloc (09022015). Collection method: clinical testing. Allele origin: germline.

Ambry Genetics
Classification: Uncertain significance for Inborn genetic diseases. Last evaluated: 2023-03-27. Review status: criteria provided, single submitter. Criteria: Ambry Variant Classification Scheme 2023. Collection method: clinical testing. Allele origin: germline.

CeGaT Center for Human Genetics Tuebingen
Classification: Uncertain significance. Last evaluated: 2022-12-01. Review status: criteria provided, single submitter. Criteria: CeGaT Center For Human Genetics Tuebingen Variant Classification Criteria Version 2. Collection method: clinical testing. Allele origin: germline. Affected: yes. Observed: 1 variant allele.

GeneDx
Classification: Uncertain significance. Last evaluated: 2021-05-24. Review status: criteria provided, single submitter. Criteria: GeneDx Variant Classification Process June 2021. Collection method: clinical testing. Allele origin: germline. Affected: yes.
Comment: In silico analysis supports that this missense variant has a deleterious effect on protein structure/function; Has not been previously published as pathogenic or benign to our knowledge